The following is an entry in ClinVar:

NM_031885.5(BBS2):c.280G>T (p.Val94Leu)

Gene: BBS2 (Bardet-Biedl syndrome 2; minus strand). Cytogenetic location: 16q13.
Variant type: single nucleotide variant.
Coding change: c.280G>T on transcript NM_031885.5 (MANE Select); coding-DNA position 280, G replaced by T.
Protein change: p.Val94Leu; replaces valine 94 with leucine.
Molecular consequence: missense variant. On other transcripts: non-coding transcript variant (5).
Genome position (GRCh38, 1-based): chr16:56,514,518, C>A on the plus strand (G>T on the coding strand, the complement: BBS2 is on the minus strand). VCF-style: chr16-56514518-C-A. GRCh37 (hg19) VCF-style: chr16-56548430-C-A.
Other names: c.280G>T, p.Val94Leu (NM_001377456.1); short protein forms V94L.
Identifiers: ClinVar variation 4983701 (VCV004983701.1).

ClinVar aggregate classification (germline): Uncertain significance (1 of 4 stars; one submission).

Conditions:
BBS2-related disorder. Also called: BBS2-related disorders; BBS2-related condition. Identifiers: MedGen CN239228.

gnomAD v4.1: 4 of 1,614,148 alleles (0.00025%); highest among the groups gnomAD compares: Non-Finnish European, 0.00034%; no homozygotes.

Submission:

PreventionGenetics, part of Exact Sciences
Classification: Uncertain significance for BBS2-related condition. Last evaluated: 2025-06-18. Review status: criteria provided, single submitter. Criteria: ACMG Guidelines, 2015. Collection method: clinical testing. Allele origin: germline.
Comment: The BBS2 c.280G>T variant is predicted to result in the amino acid substitution p.Val94Leu. To our knowledge, this variant has not been reported in the literature or in a large population database (gnomAD), indicating this variant is rare. At this time, the clinical significance of this variant is uncertain due to the absence of conclusive functional and genetic evidence.